The following is an entry in ClinVar:

NM_130810.4(DNAAF4):c.128A>G (p.Asn43Ser)

Genes: DNAAF4-CCPG1 (DNAAF4-CCPG1 readthrough (NMD candidate); minus strand), DNAAF4 (dynein axonemal assembly factor 4; minus strand). Cytogenetic location: 15q21.3.
Variant type: single nucleotide variant.
Coding change: c.128A>G on transcript NM_130810.4 (MANE Select); coding-DNA position 128, A replaced by G.
Protein change: p.Asn43Ser; replaces asparagine 43 with serine.
Molecular consequence: missense variant. On other transcripts: non-coding transcript variant (1).
Genome position (GRCh38, 1-based): chr15:55,497,855, T>C on the plus strand (A>G on the coding strand, the complement: DNAAF4 is on the minus strand). VCF-style: chr15-55497855-T-C. GRCh37 (hg19) VCF-style: chr15-55790053-T-C.
Other names: p.Asn43Ser; c.128A>G, p.Asn43Ser (NM_001033559.3, NM_001033560.2); short protein forms N43S.
Identifiers: ClinVar variation 241831 (VCV000241831.15), dbSNP rs61733359, ClinGen allele CA7575124.
Genomic context (GRCh38, chr15:55,497,855, plus strand): 5'-TTGCTGCTCTCATCGTCTATGGGAGCATAAAGAAATGCCTCAAATAAAAATGGAGGAAAG[T>C]TGACCTATGCAGAAGGGTGAAAACAGAAACTAAGTTAGTTACACAAATTAAGCACGCGTA-3'
Protein context (NP_570722.2, residues 33-53): VFCTENYLKV[Asn43Ser]FPPFLFEAFL

ClinVar aggregate classification (germline): Benign/Likely benign. Review status: criteria provided, multiple submitters, no conflicts (2 of 4 stars). 4 submissions from 4 submitters: Benign (3); Likely benign (1). Last evaluated 2026-01-19.

Allele frequency attached by ClinVar (database versions not stated): gnomAD exomes 0.00036 and 0.00106; ExAC 0.00130; 1000 Genomes Project 0.00300; 1000 Genomes Project 30x 0.00312; gnomAD 0.00425 and 0.00462; TOPMed 0.00459; ESP Exome Variant Server 0.00463.
gnomAD v4.1: 1,219 of 1,610,242 alleles (0.076%); highest among the groups gnomAD compares: African/African-American, 1.4%; 10 homozygotes.

Submissions (4):

Labcorp Genetics (formerly Invitae), Labcorp
Classification: Benign. Last evaluated: 2026-01-19. Review status: criteria provided, single submitter. Criteria: Invitae Variant Classification Sherloc (09022015). Collection method: clinical testing. Allele origin: germline.

Blueprint Genetics
Classification: Likely benign. Last evaluated: 2024-11-12. Review status: criteria provided, single submitter. Criteria: ACMG Guidelines, 2015. Collection method: clinical testing. Allele origin: germline.

Mayo Clinic Laboratories, Mayo Clinic
Classification: Benign. Last evaluated: 2024-10-17. Review status: criteria provided, single submitter. Criteria: ACMG Guidelines, 2015. Collection method: clinical testing. Allele origin: germline. Observed: 1 variant allele.
Comment: BS1, BS2, BP4

Breakthrough Genomics
Classification: Benign. Review status: criteria provided, single submitter. Criteria: ACMG Guidelines, 2015. Collection method: not provided. Allele origin: germline. Inheritance: Autosomal recessive inheritance. Affected: yes.